The following is an entry in ClinVar:

NM_001844.5(COL2A1):c.874T>A (p.Tyr292Asn)

Gene: COL2A1 (collagen type II alpha 1 chain; minus strand). Cytogenetic location: 12q13.11.
Variant type: single nucleotide variant.
Coding change: c.874T>A on transcript NM_001844.5 (MANE Select); coding-DNA position 874, T replaced by A.
Protein change: p.Tyr292Asn; replaces tyrosine 292 with asparagine.
Molecular consequence: missense variant.
Genome position (GRCh38, 1-based): chr12:47,993,859, A>T on the plus strand (T>A on the coding strand, the complement: COL2A1 is on the minus strand). VCF-style: chr12-47993859-A-T. GRCh37 (hg19) VCF-style: chr12-48387642-A-T.
Other names: c.874T>A (NM_001844.4); c.667T>A, p.Tyr223Asn (NM_033150.3); short protein forms Y223N, Y292N.
Identifiers: ClinVar variation 1413445 (VCV001413445.9), dbSNP rs1291318209, ClinGen allele CA384522245.

ClinVar aggregate classification (germline): Conflicting classifications of pathogenicity. Review status: criteria provided, conflicting classifications (1 of 4 stars). 2 submissions from 2 submitters: Uncertain significance (1); Benign (1). Last evaluated 2024-10-30.

Allele frequency attached by ClinVar (database versions not stated): gnomAD exomes below 0.00001.

Submissions (2):

Labcorp Genetics (formerly Invitae), Labcorp
Classification: Benign. Last evaluated: 2024-10-30. Review status: criteria provided, single submitter. Criteria: Invitae Variant Classification Sherloc (09022015). Collection method: clinical testing. Allele origin: germline.

GeneDx
Classification: Uncertain significance. Last evaluated: 2023-04-26. Review status: criteria provided, single submitter. Criteria: GeneDx Variant Classification Process June 2021. Collection method: clinical testing. Allele origin: germline. Affected: yes.
Comment: Occurs in the triple helical domain at the X position in the canonical Gly-X-Y repeat; although this variant may have an effect on normal protein folding and function, missense substitution at the X position is not a common mechanism of disease; In silico analysis supports that this missense variant has a deleterious effect on protein structure/function; Has not been previously published as pathogenic or benign to our knowledge